The following is an entry in ClinVar:

ClinVar aggregate classification (germline): Pathogenic (1 of 4 stars; one submission).

Submission:

CeGaT Center for Human Genetics Tuebingen
Classification: Pathogenic. Last evaluated: 2024-10-01. Review status: criteria provided, single submitter. Criteria: CeGaT Center For Human Genetics Tuebingen Variant Classification Criteria Version 2. Collection method: clinical testing. Allele origin: germline. Affected: yes. Observed: 1 variant allele.
Comment: CEP135: PVS1, PM2

NM_025009.5(CEP135):c.2928dup (p.Leu977fs)

Gene: CEP135 (centrosomal protein 135; plus strand). Cytogenetic location: 4q12.
Variant type: Duplication.
Coding change: c.2928dup on transcript NM_025009.5 (MANE Select); coding-DNA position 2928, one base duplicated (T; older notation c.2928dupT).
Protein change: p.Leu977fs; shifts the reading frame from leucine 977.
Molecular consequence: frameshift variant.
Genome position (GRCh38, 1-based): chr4:56,017,773, T duplicated. VCF-style (leftmost placement, unchanged base first): chr4-56017772-C-CT. GRCh37 (hg19) VCF-style: chr4-56883938-C-CT.
Other names: short protein forms L977fs.
Identifiers: ClinVar variation 3389843 (VCV003389843.14).